The following is an entry in ClinVar:

NM_206933.4(USH2A):c.9958+6G>A

Gene: USH2A (usherin; minus strand). Cytogenetic location: 1q41.
Variant type: single nucleotide variant.
Coding change: c.9958+6G>A on transcript NM_206933.4 (MANE Select); 6 bases into the intron after coding-DNA position 9958, G replaced by A.
Molecular consequence: intron variant.
Genome position (GRCh38, 1-based): chr1:215,798,901, C>T on the plus strand (G>A on the coding strand, the complement: USH2A is on the minus strand). VCF-style: chr1-215798901-C-T. GRCh37 (hg19) VCF-style: chr1-215972243-C-T.
Identifiers: ClinVar variation 514419 (VCV000514419.7), dbSNP rs1553263549, ClinGen allele CA658795597.
Genomic context (GRCh38, chr1:215,798,901, plus strand): 5'-CAAATTTCTCACTCTCTCTGCTTCTCAGATCCTCCATCTACTGAAAGGTAGACCTGGGCC[C>T]CTTACCTGGAAGGCGATTGTACACCACTCCTTCTTCTCCACCACAACACTCTAAATCGTT-3'

ClinVar aggregate classification (germline): Conflicting classifications of pathogenicity. Review status: criteria provided, conflicting classifications (1 of 4 stars). 2 submissions from 2 submitters: Uncertain significance (1); Likely benign (1). Last evaluated 2022-01-11.

Submissions (2):

Labcorp Genetics (formerly Invitae), Labcorp
Classification: Uncertain significance. Last evaluated: 2022-01-11. Review status: criteria provided, single submitter. Criteria: Invitae Variant Classification Sherloc (09022015). Collection method: clinical testing. Allele origin: germline.
Comment: In summary, the available evidence is currently insufficient to determine the role of this variant in disease. Therefore, it has been classified as a Variant of Uncertain Significance. Variants that disrupt the consensus splice site are a relatively common cause of aberrant splicing (PMID: 17576681, 9536098). Algorithms developed to predict the effect of sequence changes on RNA splicing suggest that this variant is not likely to affect RNA splicing. ClinVar contains an entry for this variant (Variation ID: 514419). This variant has not been reported in the literature in individuals affected with USH2A-related conditions. This variant is not present in population databases (gnomAD no frequency). This sequence change falls in intron 50 of the USH2A gene. It does not directly change the encoded amino acid sequence of the USH2A protein. It affects a nucleotide within the consensus splice site.

GeneDx
Classification: Likely benign. Last evaluated: 2018-01-05. Review status: criteria provided, single submitter. Criteria: GeneDx Variant Classification (06012015). Collection method: clinical testing. Allele origin: germline. Affected: yes.
Comment: This variant is considered likely benign or benign based on one or more of the following criteria: it is a conservative change, it occurs at a poorly conserved position in the protein, it is predicted to be benign by multiple in silico algorithms, and/or has population frequency not consistent with disease.

Literature cited by the submitters: PubMed 17576681 (cited by Labcorp Genetics (formerly Invitae), Labcorp); PubMed 9536098 (cited by Labcorp Genetics (formerly Invitae), Labcorp).